The following is an entry in ClinVar:

NM_002659.4(PLAUR):c.24G>A (p.Pro8=)

Genes: PLAUR (plasminogen activator, urokinase receptor; minus strand), LOC130064606 (ATAC-STARR-seq lymphoblastoid active region 14731; plus strand). Cytogenetic location: 19q13.31.
Variant type: single nucleotide variant.
Coding change: c.24G>A on transcript NM_002659.4 (MANE Select); coding-DNA position 24, G replaced by A.
Protein change: p.Pro8=; no amino-acid change (proline 8 retained).
Molecular consequence: synonymous variant.
Genome position (GRCh38, 1-based): chr19:43,670,097, C>T on the plus strand (G>A on the coding strand, the complement: PLAUR is on the minus strand). VCF-style: chr19-43670097-C-T. GRCh37 (hg19) VCF-style: chr19-44174249-C-T.
Other names: c.24G>A, p.Pro8= (NM_001005376.3, NM_001005377.3, NM_001301037.2).
Identifiers: ClinVar variation 771219 (VCV000771219.28), dbSNP rs62639324, ClinGen allele CA9490668.

ClinVar aggregate classification (germline): Benign/Likely benign. Review status: criteria provided, multiple submitters, no conflicts (2 of 4 stars). 3 submissions from 3 submitters: Benign (2); Likely benign (1). Last evaluated 2023-01-01.

Allele frequency attached by ClinVar (database versions not stated): 1000 Genomes Project 30x 0.00141; 1000 Genomes Project 0.00160; TOPMed 0.00594; gnomAD 0.00604 and 0.00621; ESP Exome Variant Server 0.00723.
gnomAD v4.1: 13,297 of 1,612,698 alleles (0.82%); highest among the groups gnomAD compares: Non-Finnish European, 0.98%; 70 homozygotes.

Submissions (3):

CeGaT Center for Human Genetics Tuebingen
Classification: Likely benign. Last evaluated: 2023-01-01. Review status: criteria provided, single submitter. Criteria: CeGaT Center For Human Genetics Tuebingen Variant Classification Criteria Version 2. Collection method: clinical testing. Allele origin: germline. Affected: yes. Observed: 1 variant allele.
Comment: PLAUR: BP4, BP7, BS2

Labcorp Genetics (formerly Invitae), Labcorp
Classification: Benign. Last evaluated: 2018-05-21. Review status: criteria provided, single submitter. Criteria: Invitae Variant Classification Sherloc (09022015). Collection method: clinical testing. Allele origin: germline.

Breakthrough Genomics
Classification: Benign. Review status: criteria provided, single submitter. Criteria: ACMG Guidelines, 2015. Collection method: not provided. Allele origin: germline. Inheritance: Unknown mechanism. Affected: yes.